The following is an entry in ClinVar:

ClinVar aggregate classification (germline): Likely benign (0 of 4 stars; one submission).

Conditions:
CAVIN4-related disorder. Also called: CAVIN4-related condition.

Allele frequency attached by ClinVar (database versions not stated): TOPMed 0.00003; gnomAD 0.00004; ESP Exome Variant Server 0.00015.
gnomAD v4.1: 107 of 1,613,880 alleles (0.0066%); highest among the groups gnomAD compares: Non-Finnish European, 0.0082%; no homozygotes.

Submission:

PreventionGenetics, part of Exact Sciences
Classification: Likely benign for CAVIN4-related condition. Last evaluated: 2021-12-01. Review status: no assertion criteria provided. Collection method: clinical testing. Allele origin: germline.
Comment: This variant is classified as likely benign based on ACMG/AMP sequence variant interpretation guidelines (Richards et al. 2015 PMID: 25741868, with internal and published modifications).

NM_001018116.2(CAVIN4):c.480T>C (p.Asp160=)

Gene: CAVIN4 (caveolae associated protein 4; plus strand). Cytogenetic location: 9q31.1.
Variant type: single nucleotide variant.
Coding change: c.480T>C on transcript NM_001018116.2 (MANE Select); coding-DNA position 480, T replaced by C.
Protein change: p.Asp160=; no amino-acid change (aspartic acid 160 retained).
Molecular consequence: synonymous variant.
Genome position (GRCh38, 1-based): chr9:100,585,836, T>C. VCF-style: chr9-100585836-T-C. GRCh37 (hg19) VCF-style: chr9-103348118-T-C.
Identifiers: ClinVar variation 3029997 (VCV003029997.2), dbSNP rs200636428, ClinGen allele CA5160091.